The following is an entry in ClinVar:

ClinVar aggregate classification (germline): Likely benign (1 of 4 stars; one submission).

Allele frequency attached by ClinVar (database versions not stated): 1000 Genomes Project 30x 0.00016; 1000 Genomes Project 0.00020; ExAC 0.00021; TOPMed 0.00024; gnomAD 0.00026; ESP Exome Variant Server 0.00049.
gnomAD v4.1: 460 of 1,611,856 alleles (0.029%); highest among the groups gnomAD compares: South Asian, 0.087%; 2 homozygotes.

Submission:

CeGaT Center for Human Genetics Tuebingen
Classification: Likely benign. Last evaluated: 2022-07-01. Review status: criteria provided, single submitter. Criteria: CeGaT Center For Human Genetics Tuebingen Variant Classification Criteria Version 2. Collection method: clinical testing. Allele origin: germline. Affected: yes. Observed: 1 variant allele.
Comment: CR1L: BP4, BP7

NM_175710.2(CR1L):c.804C>T (p.Ser268=)

Gene: CR1L (complement C3b/C4b receptor 1 like; plus strand). Cytogenetic location: 1q32.2.
Variant type: single nucleotide variant.
Coding change: c.804C>T on transcript NM_175710.2 (MANE Select); coding-DNA position 804, C replaced by T.
Protein change: p.Ser268=; no amino-acid change (serine 268 retained).
Molecular consequence: synonymous variant.
Genome position (GRCh38, 1-based): chr1:207,694,693, C>T. VCF-style: chr1-207694693-C-T. GRCh37 (hg19) VCF-style: chr1-207868038-C-T.
Identifiers: ClinVar variation 2639877 (VCV002639877.24), dbSNP rs368412184, ClinGen allele CA1371107.
Genomic context (GRCh38, chr1:207,694,693, plus strand): 5'-TTCCTTAAATGAAGTTGTGGAGTTTAGGTGTCAGCCTGGCTTTGGCATGAAAGGGCCCTC[C>T]CATGTGAAGTGCCAGGCCCTGAACAAATGGGAGCCAGAGTTACCAAGCTGCTCCAGGGGT-3'
Protein context (NP_783641.1, residues 258-278): CQPGFGMKGP[Ser268=]HVKCQALNKW